The following is an entry in ClinVar:

ClinVar aggregate classification (germline): Uncertain significance (1 of 4 stars; one submission).

Conditions:
Cardiovascular phenotype. Identifiers: MedGen CN230736.

gnomAD v4.1: 3 of 1,614,042 alleles (0.00019%); highest among the groups gnomAD compares: Non-Finnish European, 0.00017%; no homozygotes.

Submission:

Ambry Genetics
Classification: Uncertain significance for Cardiovascular phenotype. Last evaluated: 2026-08-08. Review status: criteria provided, single submitter. Criteria: Ambry Variant Classification Scheme 2023. Collection method: clinical testing. Allele origin: germline.
Comment: The p.E423D variant (also known as c.1269G>C), located in coding exon 9 of the SCN10A gene, results from a G to C substitution at nucleotide position 1269. The glutamic acid at codon 423 is replaced by aspartic acid, an amino acid with highly similar properties. This amino acid position is conserved. In addition, this alteration is predicted to be tolerated by in silico analysis. Based on the available evidence, the clinical significance of this variant remains unclear.

NM_006514.4(SCN10A):c.1269G>C (p.Glu423Asp)

Gene: SCN10A (sodium voltage-gated channel alpha subunit 10; minus strand). Cytogenetic location: 3p22.2.
Variant type: single nucleotide variant.
Coding change: c.1269G>C on transcript NM_006514.4 (MANE Select); coding-DNA position 1269, G replaced by C.
Protein change: p.Glu423Asp; replaces glutamic acid 423 with aspartic acid.
Molecular consequence: missense variant.
Genome position (GRCh38, 1-based): chr3:38,756,695, C>G on the plus strand (G>C on the coding strand, the complement: SCN10A is on the minus strand). VCF-style: chr3-38756695-C-G. GRCh37 (hg19) VCF-style: chr3-38798186-C-G.
Other names: c.1269G>C, p.Glu423Asp (NM_001293306.2, NM_001293307.2); short protein forms E423D.
Identifiers: ClinVar variation 5029095 (VCV005029095.1).